The following is an entry in ClinVar:

NM_000545.8(HNF1A):c.1768+1G>C

Gene: HNF1A (HNF1 homeobox A; plus strand). Cytogenetic location: 12q24.31.
Variant type: single nucleotide variant.
Coding change: c.1768+1G>C on transcript NM_000545.8 (MANE Select); the canonical splice donor site of the intron after coding-DNA position 1768, G replaced by C.
Molecular consequence: splice donor variant.
Genome position (GRCh38, 1-based): chr12:120,999,628, G>C. VCF-style: chr12-120999628-G-C. GRCh37 (hg19) VCF-style: chr12-121437431-G-C.
Other names: NM_001306179.2:c.1789+1G>C; c.1789+1G>C (NM_001306179.2); c.1576+1G>C (NM_001406915.1).
Identifiers: ClinVar variation 3338661 (VCV003338661.1).

ClinVar aggregate classification (germline): Likely pathogenic (3 of 4 stars; one submission).

Conditions:
Monogenic diabetes. Identifiers: Orphanet 183625, MedGen C3888631, MONDO:0015967.

Submission:

ClinGen Monogenic Diabetes Variant Curation Expert Panel
Classification: Likely pathogenic for Monogenic diabetes. Last evaluated: 2024-08-01. Review status: reviewed by expert panel. Criteria: ClinGen Diabetes ACMG Specifications HNF1A V2.1.0. Collection method: curation. Allele origin: germline. Inheritance: Autosomal dominant inheritance.
Comment: The c.1768+1G>C variant in the HNF1 homeobox A gene, HNF1A, is predicted to remove a canonical splice donor site in intron 9 of NM_000545.8. This variant is predicted to cause an in-frame deletion of biologically-relevant exon 9 of 10, removing more than 10% of an important region of the protein (PVS1_Strong). This variant is also absent from gnomAD v2.1.1 (PM2_Supporting). The c.1768+1G>A variant at the same canonical nucleotide has been classified as pathogenic for monogenic diabetes by the ClinGen MDEP, and c.1768+1G>C has a similar or greater predicted impact by Splice AI (0.98 and 0.81) (PS1_Supporting). Lastly, this variant was identified in an individual with a clinical history highly specific for HNF1A-MODY (MODY probability calculator result >50%, negative genetic testing for HNF4A, and response to low dose sulfonylureas) (PP4_Moderate; internal lab contributors). In summary, c.1768+1G>C meets the criteria to be classified as likely pathogenic for monogenic diabetes. ACMG/AMP criteria applied, as specified by the ClinGen MDEP (specification version 2.1.0, approved 8/11/2023): PVS1_Strong, PM2_Supporting, PS1_Supporting, PP4_Moderate